The following is an entry in ClinVar:

NM_004329.3(BMPR1A):c.1536C>T (p.Leu512=)

Gene: BMPR1A (bone morphogenetic protein receptor type 1A; plus strand). Cytogenetic location: 10q23.2.
Variant type: single nucleotide variant.
Coding change: c.1536C>T on transcript NM_004329.3 (MANE Select); coding-DNA position 1536, C replaced by T.
Protein change: p.Leu512=; no amino-acid change (leucine 512 retained).
Molecular consequence: synonymous variant.
Genome position (GRCh38, 1-based): chr10:86,923,656, C>T. VCF-style: chr10-86923656-C-T. GRCh37 (hg19) VCF-style: chr10-88683413-C-T.
Identifiers: ClinVar variation 416811 (VCV000416811.26), dbSNP rs758796892, ClinGen allele CA5585746.

ClinVar aggregate classification (germline): Benign/Likely benign. Review status: criteria provided, multiple submitters, no conflicts (2 of 4 stars). 9 submissions from 9 submitters: Benign (4); Likely benign (5). Last evaluated 2026-01-13.

Conditions:
Juvenile polyposis syndrome (JPS). Identifiers: Orphanet 2929, MedGen C0345893, MONDO:0017380, OMIM 174900.
Hereditary cancer-predisposing syndrome. Also called: Tumor predisposition; Neoplastic Syndromes, Hereditary; Hereditary Cancer Syndrome; Hereditary neoplastic syndrome. Identifiers: Orphanet 140162, MedGen C0027672, MeSH D009386, MONDO:0015356.

Allele frequency attached by ClinVar (database versions not stated): ExAC 0.00012; gnomAD 0.00001 and 0.00003; TOPMed 0.00001; gnomAD exomes 0.00011.
gnomAD v4.1: 102 of 1,614,212 alleles (0.0063%); highest among the groups gnomAD compares: South Asian, 0.1%; 2 homozygotes.

Submissions (9):

Labcorp Genetics (formerly Invitae), Labcorp
Classification: Likely benign for Juvenile polyposis syndrome. Last evaluated: 2026-01-13. Review status: criteria provided, single submitter. Criteria: Invitae Variant Classification Sherloc (09022015). Collection method: clinical testing. Allele origin: germline.

Center for Genomic Medicine, Rigshospitalet, Copenhagen University Hospital
Classification: Likely benign. Last evaluated: 2025-03-04. Review status: criteria provided, single submitter. Criteria: ACMG Guidelines, 2015. Collection method: clinical testing. Allele origin: germline.

KCCC/NGS Laboratory, Kuwait Cancer Control Center
Classification: Benign for Juvenile polyposis syndrome. Last evaluated: 2025-02-01. Review status: criteria provided, single submitter. Criteria: ACMG Guidelines, 2015. Collection method: clinical testing. Allele origin: germline. Affected: no.

Myriad Genetics, Inc.
Classification: Benign for Juvenile polyposis syndrome. Last evaluated: 2024-08-08. Review status: criteria provided, single submitter. Criteria: Myriad Autosomal Dominant, Autosomal Recessive and X-Linked Classification Criteria (2023). Collection method: clinical testing. Allele origin: unknown.
Comment: This variant is considered benign. This variant is a silent/synonymous amino acid change and it is not expected to impact splicing.

All of Us Research Program, National Institutes of Health
Classification: Likely benign for Juvenile polyposis syndrome. Last evaluated: 2023-12-01. Review status: criteria provided, single submitter. Criteria: ACMG Guidelines, 2015. Collection method: clinical testing. Allele origin: germline. Inheritance: Autosomal dominant inheritance. Observed: 3 variant alleles, 3 heterozygotes.
Comment: This study involves interpretation of variants in research participants for the purpose of population health screening. Participant phenotype was not available at the time of variant classification. Additional details can be found in publication PMID: 35346344, PMCID: PMC8962531

Women's Health and Genetics/Laboratory Corporation of America, LabCorp
Classification: Benign. Last evaluated: 2019-09-12. Review status: criteria provided, single submitter. Criteria: LabCorp Variant Classification Summary - May 2015. Collection method: clinical testing. Allele origin: germline.

Quest Diagnostics Nichols Institute San Juan Capistrano
Classification: Benign. Last evaluated: 2018-02-18. Review status: criteria provided, single submitter. Criteria: Quest Diagnostics criteria. Collection method: clinical testing. Allele origin: germline.

Ambry Genetics
Classification: Likely benign for Hereditary cancer-predisposing syndrome. Last evaluated: 2016-08-04. Review status: criteria provided, single submitter. Criteria: Ambry Variant Classification Scheme 2023. Collection method: clinical testing. Allele origin: germline.

Color Diagnostics, LLC DBA Color Health
Classification: Likely benign for Hereditary cancer-predisposing syndrome. Last evaluated: 2016-05-12. Review status: criteria provided, single submitter. Criteria: ACMG Guidelines, 2015. Collection method: clinical testing. Allele origin: germline.